The following is an entry in ClinVar:

ClinVar aggregate classification (germline): Uncertain significance. Review status: criteria provided, multiple submitters, no conflicts (2 of 4 stars). 2 submissions from 2 submitters: Uncertain significance (2). Last evaluated 2025-05-07.

Conditions:
Inborn genetic diseases. Identifiers: MedGen C0950123, MeSH D030342.

Allele frequency attached by ClinVar (database versions not stated): gnomAD exomes below 0.00001; TOPMed 0.00002.
gnomAD v4.1: 2 of 1,614,150 alleles (0.00012%); highest among the groups gnomAD compares: Admixed American, 0.0017%; no homozygotes.

Submissions (2):

Ambry Genetics
Classification: Uncertain significance for Inborn genetic diseases. Last evaluated: 2025-05-07. Review status: criteria provided, single submitter. Criteria: Ambry Variant Classification Scheme 2023. Collection method: clinical testing. Allele origin: germline.

Labcorp Genetics (formerly Invitae), Labcorp
Classification: Uncertain significance. Last evaluated: 2021-08-31. Review status: criteria provided, single submitter. Criteria: Invitae Variant Classification Sherloc (09022015). Collection method: clinical testing. Allele origin: germline.
Comment: This sequence change replaces serine with alanine at codon 415 of the SLC38A8 protein (p.Ser415Ala). The serine residue is highly conserved and there is a moderate physicochemical difference between serine and alanine. This variant is not present in population databases (ExAC no frequency). This variant has not been reported in the literature in individuals affected with SLC38A8-related conditions. Algorithms developed to predict the effect of missense changes on protein structure and function are either unavailable or do not agree on the potential impact of this missense change (SIFT: "Deleterious"; PolyPhen-2: "Possibly Damaging"; Align-GVGD: "Class C0"). In summary, the available evidence is currently insufficient to determine the role of this variant in disease. Therefore, it has been classified as a Variant of Uncertain Significance.

NM_001080442.3(SLC38A8):c.1243T>G (p.Ser415Ala)

Gene: SLC38A8 (solute carrier family 38 member 8; minus strand). Cytogenetic location: 16q23.3.
Variant type: single nucleotide variant.
Coding change: c.1243T>G on transcript NM_001080442.3 (MANE Select); coding-DNA position 1243, T replaced by G.
Protein change: p.Ser415Ala; replaces serine 415 with alanine.
Molecular consequence: missense variant.
Genome position (GRCh38, 1-based): chr16:84,009,849, A>C on the plus strand (T>G on the coding strand, the complement: SLC38A8 is on the minus strand). VCF-style: chr16-84009849-A-C. GRCh37 (hg19) VCF-style: chr16-84043454-A-C.
Other names: c.1243T>G (NM_001080442.1); short protein forms S415A.
Identifiers: ClinVar variation 1442896 (VCV001442896.6), dbSNP rs1257010761, ClinGen allele CA396929251.